The following is an entry in ClinVar:

NM_025114.4(CEP290):c.6991G>T (p.Ala2331Ser)

Gene: CEP290 (centrosomal protein 290; minus strand). Cytogenetic location: 12q21.32.
Variant type: single nucleotide variant.
Coding change: c.6991G>T on transcript NM_025114.4 (MANE Select); coding-DNA position 6991, G replaced by T.
Protein change: p.Ala2331Ser; replaces alanine 2331 with serine.
Molecular consequence: missense variant.
Genome position (GRCh38, 1-based): chr12:88,054,383, C>A on the plus strand (G>T on the coding strand, the complement: CEP290 is on the minus strand). VCF-style: chr12-88054383-C-A. GRCh37 (hg19) VCF-style: chr12-88448160-C-A.
Other names: short protein forms A2331S.
Identifiers: ClinVar variation 2092737 (VCV002092737.4), dbSNP rs779626256, ClinGen allele CA6711378.

ClinVar aggregate classification (germline): Uncertain significance (1 of 4 stars; one submission).

Conditions:
Joubert syndrome. Also called: CEREBELLOPARENCHYMAL DISORDER IV; JOUBERT-BOLTSHAUSER SYNDROME; Familial aplasia of the vermis. Identifiers: Orphanet 475, MedGen C5979921, MONDO:0018772.
Nephronophthisis. Also called: Juvenile Nephronophthisis. Identifiers: Orphanet 655, MedGen C0687120, MONDO:0019005, HP:0000090.
Meckel-Gruber syndrome. Also called: DYSENCEPHALIA SPLANCHNOCYSTICA; GRUBER SYNDROME; Dysencephalia splachnocystica. Identifiers: Orphanet 564, MedGen C0265215, MONDO:0018921.

Allele frequency attached by ClinVar (database versions not stated): ExAC 0.00001.
gnomAD v4.1: 2 of 1,611,570 alleles (0.00012%); highest among the groups gnomAD compares: South Asian, 0.0022%; no homozygotes.

Submission:

Labcorp Genetics (formerly Invitae), Labcorp
Classification: Uncertain significance for Joubert syndrome; Meckel-Gruber syndrome; Nephronophthisis. Last evaluated: 2022-02-11. Review status: criteria provided, single submitter. Criteria: Invitae Variant Classification Sherloc (09022015). Collection method: clinical testing. Allele origin: germline.
Comment: This sequence change replaces alanine, which is neutral and non-polar, with serine, which is neutral and polar, at codon 2331 of the CEP290 protein (p.Ala2331Ser). This variant is present in population databases (rs779626256, gnomAD 0.003%). This variant has not been reported in the literature in individuals affected with CEP290-related conditions. Algorithms developed to predict the effect of missense changes on protein structure and function (SIFT, PolyPhen-2, Align-GVGD) all suggest that this variant is likely to be tolerated. In summary, the available evidence is currently insufficient to determine the role of this variant in disease. Therefore, it has been classified as a Variant of Uncertain Significance.